The following is an entry in ClinVar:

NM_001080432.3(FTO):c.1214C>T (p.Ala405Val)

Gene: FTO (FTO alpha-ketoglutarate dependent dioxygenase; plus strand). Cytogenetic location: 16q12.2.
Variant type: single nucleotide variant.
Coding change: c.1214C>T on transcript NM_001080432.3 (MANE Select); coding-DNA position 1214, C replaced by T.
Protein change: p.Ala405Val; replaces alanine 405 with valine.
Molecular consequence: missense variant.
Genome position (GRCh38, 1-based): chr16:53,888,926, C>T. VCF-style: chr16-53888926-C-T. GRCh37 (hg19) VCF-style: chr16-53922838-C-T.
Other names: c.1244C>T, p.Ala415Val (NM_001363891.2); c.1214C>T, p.Ala405Val (NM_001363894.2, NM_001363896.2, NM_001363903.2 and 1 more transcripts); c.1136C>T, p.Ala379Val (NM_001363897.2); c.1100C>T, p.Ala367Val (NM_001363898.2, NM_001363899.2); c.1070C>T, p.Ala357Val (NM_001363900.2, NM_001363901.2); c.701C>T, p.Ala234Val (NM_001363905.2); short protein forms A234V, A379V, A405V, A357V, A415V, A367V.
Identifiers: ClinVar variation 784339 (VCV000784339.14), dbSNP rs16952624, ClinGen allele CA8058559.
Genomic context (GRCh38, chr16:53,888,926, plus strand): 5'-AAGGCAATCGATACAGAAAGTGCACTGACTGGTGGTGTCAACCCATGGCTCAACTGGAAG[C>T]ACTGTGGAAGAAGATGGAGGGTGTGGTAAGTCCATCAGACCTGGGACCGTGTTTTCTGGG-3'
Protein context (NP_001073901.1, residues 395-415): WWCQPMAQLE[Ala405Val]LWKKMEGVTN

ClinVar aggregate classification (germline): Benign. Review status: criteria provided, multiple submitters, no conflicts (2 of 4 stars). 3 submissions from 3 submitters: Benign (3). Last evaluated 2026-01-25.

Conditions:
Lethal polymalformative syndrome, Boissel type. Also called: GROWTH RETARDATION, DEVELOPMENTAL DELAY, AND FACIAL DYSMORPHISM. Identifiers: Orphanet 210144, MedGen C2752001, MONDO:0013050, OMIM 612938.

Allele frequency attached by ClinVar (database versions not stated): gnomAD exomes 0.00086 and 0.00208; ExAC 0.00258; 1000 Genomes Project 0.00739; 1000 Genomes Project 30x 0.00812; gnomAD 0.00879 and 0.00943; ESP Exome Variant Server 0.00954; TOPMed 0.00958.
gnomAD v4.1: 2,654 of 1,614,068 alleles (0.16%); highest among the groups gnomAD compares: African/African-American, 3.1%; 39 homozygotes.

Submissions (3):

Labcorp Genetics (formerly Invitae), Labcorp
Classification: Benign. Last evaluated: 2026-01-25. Review status: criteria provided, single submitter. Criteria: Invitae Variant Classification Sherloc (09022015). Collection method: clinical testing. Allele origin: germline.

Illumina Laboratory Services, Illumina
Classification: Benign for Lethal polymalformative syndrome, Boissel type. Last evaluated: 2017-04-27. Review status: criteria provided, single submitter. Criteria: ICSL Variant Classification Criteria 13 December 2019. Collection method: clinical testing. Allele origin: germline.
Comment: This variant was observed as part of a predisposition screen in an ostensibly healthy population. A literature search was performed for the gene, cDNA change, and amino acid change (where applicable). Publications were found based on this search. The evidence from the literature, in combination with allele frequency data from public databases where available, was sufficient to rule this variant out of causing disease. Therefore, this variant is classified as benign.

Breakthrough Genomics
Classification: Benign. Review status: criteria provided, single submitter. Criteria: ACMG Guidelines, 2015. Collection method: not provided. Allele origin: germline. Inheritance: Autosomal recessive inheritance. Affected: yes.

Literature cited by the submitters: PubMed 23505181 (cited by Illumina Laboratory Services, Illumina); PubMed 23825611 (cited by Illumina Laboratory Services, Illumina); PubMed 24289790 (cited by Illumina Laboratory Services, Illumina); PubMed 19833892 (cited by Illumina Laboratory Services, Illumina); PubMed 20299471 (cited by Illumina Laboratory Services, Illumina).